The following is an entry in ClinVar:

NM_002968.3(SALL1):c.3310C>G (p.Pro1104Ala)

Gene: SALL1 (spalt like transcription factor 1; minus strand). Cytogenetic location: 16q12.1.
Variant type: single nucleotide variant.
Coding change: c.3310C>G on transcript NM_002968.3 (MANE Select); coding-DNA position 3310, C replaced by G.
Protein change: p.Pro1104Ala; replaces proline 1104 with alanine.
Molecular consequence: missense variant.
Genome position (GRCh38, 1-based): chr16:51,138,912, G>C on the plus strand (C>G on the coding strand, the complement: SALL1 is on the minus strand). VCF-style: chr16-51138912-G-C. GRCh37 (hg19) VCF-style: chr16-51172823-G-C.
Other names: c.3019C>G, p.Pro1007Ala (NM_001127892.2); short protein forms P1007A, P1104A.
Identifiers: ClinVar variation 1281498 (VCV001281498.36), dbSNP rs547153228, ClinGen allele CA8052956.
Genomic context (GRCh38, chr16:51,138,912, plus strand): 5'-GGAGCAGAACTGGGGATGTGGCAGAGGAAGACAGAGGCCCAGACGGGACGTGACTGGTGG[G>C]GGTGTCCTTACTGTCCTGAGGAGAAACATGCACGAAGCCGTTGACCTCTGTCTTGATGAG-3'
Protein context (NP_002959.2, residues 1094-1114): HVSPQDSKDT[Pro1104Ala]TSHVPSGPLS

ClinVar aggregate classification (germline): Benign/Likely benign. Review status: criteria provided, multiple submitters, no conflicts (2 of 4 stars). 6 submissions from 6 submitters: Benign (2); Likely benign (3). 1 of the submissions does not count toward it. Last evaluated 2026-01-04.

Conditions:
Townes-Brocks syndrome 1 (TBS1). Also called: DEAFNESS, SENSORINEURAL, WITH IMPERFORATE ANUS AND THUMB ANOMALIES; REAR SYNDROME; RENAL-EAR-ANAL-RADIAL SYNDROME; SALL1-Related Townes-Brocks Syndrome. Identifiers: Orphanet 857, MedGen C4551481, MONDO:0054581, OMIM 107480.
Townes syndrome (TBS). Also called: Townes-Brocks syndrome. Identifiers: Orphanet 857, MedGen C0265246, MeSH C536974, MONDO:0007142.
SALL1-related disorder. Also called: SALL1-related condition.

Allele frequency attached by ClinVar (database versions not stated): TOPMed 0.00004; gnomAD 0.00008; 1000 Genomes Project 30x 0.00031; gnomAD exomes 0.00048; ExAC 0.00056.
gnomAD v4.1: 383 of 1,614,206 alleles (0.024%); highest among the groups gnomAD compares: South Asian, 0.4%; 2 homozygotes.

Submissions (6):

Labcorp Genetics (formerly Invitae), Labcorp
Classification: Benign for Townes syndrome. Last evaluated: 2026-01-04. Review status: criteria provided, single submitter. Criteria: Invitae Variant Classification Sherloc (09022015). Collection method: clinical testing. Allele origin: germline.

CeGaT Center for Human Genetics Tuebingen
Classification: Likely benign. Last evaluated: 2023-10-01. Review status: criteria provided, single submitter. Criteria: CeGaT Center For Human Genetics Tuebingen Variant Classification Criteria Version 2. Collection method: clinical testing. Allele origin: germline. Affected: yes. Observed: 1 variant allele.
Comment: SALL1: BP4, BS1

Fulgent Genetics
Classification: Likely benign for Townes-Brocks syndrome 1. Last evaluated: 2021-12-04. Review status: criteria provided, single submitter. Criteria: ACMG Guidelines, 2015. Collection method: clinical testing. Allele origin: unknown.

Department of Pathology and Laboratory Medicine, Sinai Health System
Classification: Likely benign for Townes-Brocks syndrome 1. Last evaluated: 2021-07-30. Review status: criteria provided, single submitter. Criteria: ACMG Guidelines, 2015. Collection method: research. Allele origin: germline.

GeneDx
Classification: Benign. Last evaluated: 2020-08-14. Review status: criteria provided, single submitter. Criteria: GeneDx Variant Classification Process June 2021. Collection method: clinical testing. Allele origin: germline. Affected: yes.

PreventionGenetics, part of Exact Sciences
Classification: Likely benign for SALL1-related condition. Last evaluated: 2022-09-26. Review status: no assertion criteria provided. Collection method: clinical testing. Allele origin: germline. Not counted in ClinVar's aggregate classification.
Comment: This variant is classified as likely benign based on ACMG/AMP sequence variant interpretation guidelines (Richards et al. 2015 PMID: 25741868, with internal and published modifications).